The following is an entry in ClinVar:

NM_004991.4(MECOM):c.727G>A (p.Glu243Lys)

Gene: MECOM (MDS1 and EVI1 complex locus; minus strand). Cytogenetic location: 3q26.2.
Variant type: single nucleotide variant.
Coding change: c.727G>A on transcript NM_004991.4 (MANE Select); coding-DNA position 727, G replaced by A.
Protein change: p.Glu243Lys; replaces glutamic acid 243 with lysine.
Molecular consequence: missense variant.
Genome position (GRCh38, 1-based): chr3:169,127,947, C>T on the plus strand (G>A on the coding strand, the complement: MECOM is on the minus strand). VCF-style: chr3-169127947-C-T. GRCh37 (hg19) VCF-style: chr3-168845735-C-T.
Other names: c.355G>A, p.Glu119Lys (NM_001105077.4); c.163G>A, p.Glu55Lys (NM_001105078.4, NM_001163999.2, NM_001164000.2 and 9 more transcripts); c.727G>A, p.Glu243Lys (NM_001366466.2, NM_001366473.2); short protein forms E119K, E243K, E55K.
Identifiers: ClinVar variation 4053155 (VCV004053155.1).

ClinVar aggregate classification (germline): Uncertain significance (1 of 4 stars; one submission).

Conditions:
Inborn genetic diseases. Identifiers: MedGen C0950123, MeSH D030342.

gnomAD v4.1: 1 of 1,614,076 alleles (0.000062%); highest among the groups gnomAD compares: Non-Finnish European, 0.000085%; no homozygotes.

Submission:

Ambry Genetics
Classification: Uncertain significance for Inborn genetic diseases. Last evaluated: 2025-04-06. Review status: criteria provided, single submitter. Criteria: Ambry Variant Classification Scheme 2023. Collection method: clinical testing. Allele origin: germline.
Comment: The p.E243K variant (also known as c.727G>A), located in coding exon 5 of the MECOM gene, results from a G to A substitution at nucleotide position 727. The glutamic acid at codon 243 is replaced by lysine, an amino acid with similar properties. This amino acid position is conserved. In addition, this alteration is predicted to be tolerated by in silico analysis. Based on the available evidence, the clinical significance of this variant remains unclear.